The following is an entry in ClinVar:

ClinVar aggregate classification (germline): Benign (1 of 4 stars; one submission).

Allele frequency attached by ClinVar (database versions not stated): gnomAD exomes 0.00270; gnomAD 0.02446 and 0.02612; TOPMed 0.02721; 1000 Genomes Project 0.02855; 1000 Genomes Project 30x 0.03107.

Submission:

GeneDx
Classification: Benign. Last evaluated: 2018-06-14. Review status: criteria provided, single submitter. Criteria: GeneDx Variant Classification (06012015). Collection method: clinical testing. Allele origin: germline. Affected: yes.
Comment: This variant is considered likely benign or benign based on one or more of the following criteria: it is a conservative change, it occurs at a poorly conserved position in the protein, it is predicted to be benign by multiple in silico algorithms, and/or has population frequency not consistent with disease.

NM_001844.5(COL2A1):c.2680-132A>C

Gene: COL2A1 (collagen type II alpha 1 chain; minus strand). Cytogenetic location: 12q13.11.
Variant type: single nucleotide variant.
Coding change: c.2680-132A>C on transcript NM_001844.5 (MANE Select); 132 bases into the intron before coding-DNA position 2680, A replaced by C.
Molecular consequence: intron variant.
Genome position (GRCh38, 1-based): chr12:47,979,696, T>G on the plus strand (A>C on the coding strand, the complement: COL2A1 is on the minus strand). VCF-style: chr12-47979696-T-G. GRCh37 (hg19) VCF-style: chr12-48373479-T-G.
Other names: c.2473-132A>C (NM_033150.3).
Identifiers: ClinVar variation 679442 (VCV000679442.1), dbSNP rs58431786, ClinGen allele CA236522570.